The following is an entry in ClinVar:

Conditions:
Breast-ovarian cancer, familial, susceptibility to, 1 (BROVCA1). Also called: BRCA1 Hereditary Breast and Ovarian Cancer; OVARIAN CANCER, SUSCEPTIBILITY TO. Identifiers: Orphanet 145, MedGen C2676676, MONDO:0011450, OMIM 604370. Disease mechanism: loss of function.

Submission:

Brotman Baty Institute, University of Washington
No classification provided (evidence only). Condition: Breast-ovarian cancer, familial 1. Review status: no classification provided. Collection method: in vitro. Allele origin: not applicable. Functional consequence: functionally_normal.
ClinVar note: "not provided" was previously submitted as the classification for the variant. However, the classification appeared to be based only on an observation of functional data so it was converted to no classification on 2025-07-30.

NM_007294.4(BRCA1):c.5074+5A>C

Gene: BRCA1 (BRCA1 DNA repair associated; minus strand). Cytogenetic location: 17q21.31.
Variant type: single nucleotide variant.
Coding change: c.5074+5A>C on transcript NM_007294.4 (MANE Select); 5 bases into the intron after coding-DNA position 5074, A replaced by C.
Molecular consequence: intron variant.
Genome position (GRCh38, 1-based): chr17:43,067,603, T>G on the plus strand (A>C on the coding strand, the complement: BRCA1 is on the minus strand). VCF-style: chr17-43067603-T-G. GRCh37 (hg19) VCF-style: chr17-41219620-T-G.
Other names: c.1621+5A>C (NM_001408458.1, NM_001408461.1, NM_001408464.1 and 7 more transcripts); c.4183+5A>C (NM_001407967.1); c.4693+5A>C (NM_001407959.1); c.4807+5A>C (NM_001407931.1, NM_001407932.1, NM_001407928.1 and 4 more transcripts); c.4930+5A>C (NM_001407747.1, NM_001407745.1, NM_001407737.1 and 21 more transcripts); c.4690+5A>C (NM_001407962.1, NM_001407960.1); c.1261+5A>C (NM_001408512.1); c.1384+5A>C (NM_001408510.1); and 71 more.
Identifiers: ClinVar variation 867604 (VCV000867604.3), dbSNP rs431825411, ClinGen allele CA916080155.